The following is an entry in ClinVar:

ClinVar aggregate classification (germline): Conflicting classifications of pathogenicity. Review status: criteria provided, conflicting classifications (1 of 4 stars). 8 submissions from 7 submitters: Uncertain significance (3); Benign (1); Likely benign (3). 1 of the submissions does not count toward it. Last evaluated 2026-01-30.

Conditions:
ABCA4-related disorder. Also called: ABCA4-related condition; ABCA4-related disorders. Identifiers: MedGen CN239167.
Retinal dystrophy. Also called: Inherited retinal dystrophy. Identifiers: Orphanet 71862, MedGen C0854723, MeSH D058499, MONDO:0019118, HP:0000556.
Severe early-childhood-onset retinal dystrophy (STGD1). Also called: Stargardt macular dystrophy; Juvenile onset macular degeneration; Stargardt disease 1; STGD; MACULAR DYSTROPHY WITH FLECKS, TYPE 1. Identifiers: Orphanet 364055, Orphanet 827, MedGen C1855465, MeSH D000080362, MONDO:0009549, OMIM 248200.
Inborn genetic diseases. Identifiers: MedGen C0950123, MeSH D030342.

Allele frequency attached by ClinVar (database versions not stated): ExAC 0.00032; gnomAD 0.00037 and 0.00035; ESP Exome Variant Server 0.00046; gnomAD exomes 0.00048 and 0.00023; 1000 Genomes Project 30x 0.00062; TOPMed 0.00032; 1000 Genomes Project 0.00040.

Submissions (8):

Labcorp Genetics (formerly Invitae), Labcorp
Classification: Likely benign. Last evaluated: 2026-01-30. Review status: criteria provided, single submitter. Criteria: Invitae Variant Classification Sherloc (09022015). Collection method: clinical testing. Allele origin: germline.

Blueprint Genetics
Classification: Likely benign. Last evaluated: 2024-10-28. Review status: criteria provided, single submitter. Criteria: ACMG Guidelines, 2015. Collection method: clinical testing. Allele origin: germline.

Ambry Genetics
Classification: Likely benign for Inborn genetic diseases. Last evaluated: 2023-06-06. Review status: criteria provided, single submitter. Criteria: Ambry Variant Classification Scheme 2023. Collection method: clinical testing. Allele origin: germline.

Illumina Laboratory Services, Illumina
Classification: Uncertain significance for ABCA4-Related Disorders. Last evaluated: 2018-01-12. Review status: criteria provided, single submitter. Criteria: ICSL Variant Classification Criteria 13 December 2019. Collection method: clinical testing. Allele origin: germline.

Institute of Human Genetics, Univ. Regensburg, Univ. Regensburg
Classification: Uncertain significance for Severe early-childhood-onset retinal dystrophy. Last evaluated: 2016-01-01. Review status: criteria provided, single submitter. Criteria: Schulz et al. (Invest Ophthalmol Vis Sci. 2017). Collection method: clinical testing. Allele origin: germline. Affected: yes. Observed: 1 heterozygote.

GeneDx
Classification: Benign. Last evaluated: 2015-03-03. Review status: criteria provided, single submitter. Criteria: GeneDx Variant Classification Process June 2021. Collection method: clinical testing. Allele origin: germline. Affected: yes.
Comment: This variant is associated with the following publications: (PMID: 28118664)

Institute of Human Genetics, Univ. Regensburg, Univ. Regensburg
Classification: Uncertain significance for Retinal dystrophy. Last evaluated: 2011-01-01. Review status: criteria provided, single submitter. Criteria: ACMG Guidelines, 2015. Collection method: clinical testing. Allele origin: germline. Affected: yes.

PreventionGenetics, part of Exact Sciences
Classification: Likely benign for ABCA4-related condition. Last evaluated: 2020-07-08. Review status: no assertion criteria provided. Collection method: clinical testing. Allele origin: germline. Not counted in ClinVar's aggregate classification.
Comment: This variant is classified as likely benign based on ACMG/AMP sequence variant interpretation guidelines (Richards et al. 2015 PMID: 25741868, with internal and published modifications).

Literature cited by the submitters: PubMed 28118664 (cited by Institute of Human Genetics, Univ. Regensburg, Univ. Regensburg).

NM_000350.3(ABCA4):c.1692A>G (p.Pro564=)

Gene: ABCA4 (ATP binding cassette subfamily A member 4; minus strand). Cytogenetic location: 1p22.1.
Variant type: single nucleotide variant.
Coding change: c.1692A>G on transcript NM_000350.3 (MANE Select); coding-DNA position 1692, A replaced by G.
Protein change: p.Pro564=; no amino-acid change (proline 564 retained).
Molecular consequence: synonymous variant.
Genome position (GRCh38, 1-based): chr1:94,063,180, T>C on the plus strand (A>G on the coding strand, the complement: ABCA4 is on the minus strand). VCF-style: chr1-94063180-T-C. GRCh37 (hg19) VCF-style: chr1-94528736-T-C.
Other names: c.1692A>G, p.Pro564= (NM_001425324.1).
Identifiers: ClinVar variation 236084 (VCV000236084.20), dbSNP rs143263315, ClinGen allele CA958456.